The following is an entry in ClinVar:

NM_205836.3(FBXO38):c.1685C>A (p.Thr562Asn)

Gene: FBXO38 (F-box protein 38; plus strand). Cytogenetic location: 5q32.
Variant type: single nucleotide variant.
Coding change: c.1685C>A on transcript NM_205836.3 (MANE Select); coding-DNA position 1685, C replaced by A.
Protein change: p.Thr562Asn; replaces threonine 562 with asparagine.
Molecular consequence: missense variant.
Genome position (GRCh38, 1-based): chr5:148,424,064, C>A. VCF-style: chr5-148424064-C-A. GRCh37 (hg19) VCF-style: chr5-147803627-C-A.
Other names: c.1685C>A, p.Thr562Asn (NM_001271723.2, NM_030793.5); short protein forms T562N.
Identifiers: ClinVar variation 1352827 (VCV001352827.6), dbSNP rs748051444, ClinGen allele CA3497339.

ClinVar aggregate classification (germline): Uncertain significance (1 of 4 stars; one submission).

Conditions:
Distal hereditary motor neuropathy type 2. Identifiers: Orphanet 139525, MedGen C3711384, MeSH C580044, MONDO:0015352.

Allele frequency attached by ClinVar (database versions not stated): ExAC 0.00005.
gnomAD v4.1: 29 of 1,613,518 alleles (0.0018%); highest among the groups gnomAD compares: South Asian, 0.024%; no homozygotes.

Submission:

Labcorp Genetics (formerly Invitae), Labcorp
Classification: Uncertain significance for Distal hereditary motor neuropathy type 2. Last evaluated: 2026-01-31. Review status: criteria provided, single submitter. Criteria: Invitae Variant Classification Sherloc (09022015). Collection method: clinical testing. Allele origin: germline.
Comment: This sequence change replaces threonine, which is neutral and polar, with asparagine, which is neutral and polar, at codon 562 of the FBXO38 protein (p.Thr562Asn). This variant is present in population databases (rs748051444, gnomAD 0.03%). This variant has not been reported in the literature in individuals affected with FBXO38-related conditions. ClinVar contains an entry for this variant (Variation ID: 1352827). Invitae Evidence Modeling of protein sequence and biophysical properties (such as structural, functional, and spatial information, amino acid conservation, physicochemical variation, residue mobility, and thermodynamic stability) indicates that this missense variant is not expected to disrupt FBXO38 protein function with a negative predictive value of 80%. In summary, the available evidence is currently insufficient to determine the role of this variant in disease. Therefore, it has been classified as a Variant of Uncertain Significance.